The following is an entry in ClinVar:

NM_001148.6(ANK2):c.8755A>G (p.Ile2919Val)

Gene: ANK2 (ankyrin 2; plus strand). Cytogenetic location: 4q26.
Variant type: single nucleotide variant.
Coding change: c.8755A>G on transcript NM_001148.6 (MANE Select); coding-DNA position 8755, A replaced by G.
Protein change: p.Ile2919Val; replaces isoleucine 2919 with valine.
Molecular consequence: missense variant. On other transcripts: intron variant (68).
Genome position (GRCh38, 1-based): chr4:113,357,373, A>G. VCF-style: chr4-113357373-A-G. GRCh37 (hg19) VCF-style: chr4-114278529-A-G.
Other names: c.8521A>G, p.Ile2841Val (NM_001386142.1); c.5155A>G, p.Ile1719Val (NM_001386166.1); c.8896A>G, p.Ile2966Val (NM_001386174.1); c.8872A>G, p.Ile2958Val (NM_001386175.1); c.4412-3450A>G (NM_001386186.2, NM_001386148.2); c.4214-3450A>G (NM_001354269.3); c.4292-3450A>G (NM_001386187.2); c.4253-3450A>G (NM_001386147.1); and 35 more; short protein forms I2958V, I1719V, I2966V, I2841V, I2919V.
Identifiers: ClinVar variation 4731458 (VCV004731458.1).

ClinVar aggregate classification (germline): Uncertain significance (1 of 4 stars; one submission).

Conditions:
Long QT syndrome (LQTS). Identifiers: MedGen C0023976, MeSH D008133, MONDO:0002442. Disease mechanism: loss of function. Inheritance: Various modes of inheritance.

gnomAD v4.1: 15 of 1,613,920 alleles (0.00093%); highest among the groups gnomAD compares: South Asian, 0.016%; no homozygotes.

Submission:

Labcorp Genetics (formerly Invitae), Labcorp
Classification: Uncertain significance for Long QT syndrome. Last evaluated: 2025-11-23. Review status: criteria provided, single submitter. Criteria: Invitae Variant Classification Sherloc (09022015). Collection method: clinical testing. Allele origin: germline.
Comment: This sequence change replaces isoleucine, which is neutral and non-polar, with valine, which is neutral and non-polar, at codon 2919 of the ANK2 protein (p.Ile2919Val). This variant is present in population databases (rs754631244, gnomAD 0.03%). This variant has not been reported in the literature in individuals affected with ANK2-related conditions. An algorithm developed to predict the effect of missense changes on protein structure and function outputs the following: PolyPhen-2: "Benign". The valine amino acid residue is found in multiple mammalian species, which suggests that this missense change does not adversely affect protein function. In summary, the available evidence is currently insufficient to determine the role of this variant in disease. Therefore, it has been classified as a Variant of Uncertain Significance.